The following is an entry in ClinVar:

ClinVar aggregate classification (germline): Likely benign (1 of 4 stars; one submission).

Conditions:
CLPX-related disorder. Also called: CLPX-related condition.

gnomAD v4.1: 61 of 1,599,922 alleles (0.0038%); highest among the groups gnomAD compares: Non-Finnish European, 0.0049%; 1 homozygote.

Submission:

PreventionGenetics, part of Exact Sciences
Classification: Likely benign for CLPX-related condition. Last evaluated: 2025-11-16. Review status: criteria provided, single submitter. Criteria: ACMG Guidelines, 2015. Collection method: clinical testing. Allele origin: germline.
Comment: This variant is classified as likely benign based on ACMG/AMP sequence variant interpretation guidelines (Richards et al. 2015 PMID: 25741868, with internal and published modifications).

NM_006660.5(CLPX):c.514-9A>G

Gene: CLPX (caseinolytic mitochondrial matrix peptidase chaperone subunit X; minus strand). Cytogenetic location: 15q22.31.
Variant type: single nucleotide variant.
Coding change: c.514-9A>G on transcript NM_006660.5 (MANE Select); 9 bases into the intron before coding-DNA position 514, A replaced by G.
Molecular consequence: intron variant.
Genome position (GRCh38, 1-based): chr15:65,164,197, T>C on the plus strand (A>G on the coding strand, the complement: CLPX is on the minus strand). VCF-style: chr15-65164197-T-C. GRCh37 (hg19) VCF-style: chr15-65456535-T-C.
Identifiers: ClinVar variation 4988707 (VCV004988707.1).
Genomic context (GRCh38, chr15:65,164,197, plus strand): 5'-CCTTCTTAGCAAATGACTGGCCAACAACATACTTGTCGAGGTAGTTATAAATCTGAAAAA[T>C]GATTAGGTATGAATAATTTAATATGAGCTATTATAAGAGCACACACATTAAAAAGTTATT-3'